The following is an entry in ClinVar:

NM_001001548.3(CD36):c.220C>T (p.Gln74Ter)

Gene: CD36 (CD36 molecule (CD36 blood group); plus strand). Cytogenetic location: 7q21.11.
Variant type: single nucleotide variant.
Coding change: c.220C>T on transcript NM_001001548.3 (MANE Select); coding-DNA position 220, C replaced by T.
Protein change: p.Gln74Ter; replaces glutamine 74 with a stop codon.
Molecular consequence: nonsense. On other transcripts: 5 prime UTR variant (2), non-coding transcript variant (1), intron variant (2).
Genome position (GRCh38, 1-based): chr7:80,656,639, C>T. VCF-style: chr7-80656639-C-T. GRCh37 (hg19) VCF-style: chr7-80285955-C-T.
Other names: c.220C>T (NM_001001548.2); c.220C>T, p.Gln74Ter (NM_000072.3, NM_001001547.3, NM_001127443.2 and 7 more transcripts); c.-9C>T (NM_001289911.2); c.-263C>T (NM_001371081.1); c.-184-4424C>T (NM_001371080.1); c.121-3C>T (NM_001371079.1); short protein forms Q74*.
Identifiers: ClinVar variation 632007 (VCV000632007.15), dbSNP rs545489204, ClinGen allele CA4315057.

ClinVar aggregate classification (germline): Conflicting classifications of pathogenicity. Review status: criteria provided, conflicting classifications (1 of 4 stars). 5 submissions from 5 submitters: Pathogenic (1); Likely pathogenic (3); Uncertain significance (1). Last evaluated 2026-08-12.

Conditions:
CD36-related disorder. Also called: CD36-related disorders; CD36-related condition.
Platelet-type bleeding disorder 10. Also called: CD36 DEFICIENCY. Identifiers: MedGen C1842090, MONDO:0012031, OMIM 608404.

Allele frequency attached by ClinVar (database versions not stated): gnomAD 0.00002 and 0.00006; TOPMed 0.00005; gnomAD exomes 0.00008 and 0.00015; 1000 Genomes Project 30x 0.00016; 1000 Genomes Project 0.00020; ExAC 0.00020.
gnomAD v4.1: 144 of 1,613,772 alleles (0.0089%); highest among the groups gnomAD compares: Middle Eastern, 0.099%; 2 homozygotes.

Submissions (5):

PreventionGenetics, part of Exact Sciences
Classification: Likely pathogenic for CD36-related condition. Last evaluated: 2026-08-12. Review status: criteria provided, single submitter. Criteria: ACMG Guidelines, 2015. Collection method: clinical testing. Allele origin: germline.
Comment: The CD36 c.220C>T variant is predicted to result in premature protein termination (p.Gln74*). This variant was reported in conjunction with a second premature termination variant in a patient with CD36 deficiency (Xu et al. 2013. PubMed ID: 23966019). This variant is reported in 0.075% of alleles in individuals of East Asian descent in gnomAD. Nonsense variants in CD36 are expected to be pathogenic. This variant is interpreted as likely pathogenic.

Revvity Omics, Revvity
Classification: Likely pathogenic for Platelet-type bleeding disorder 10. Last evaluated: 2024-04-22. Review status: criteria provided, single submitter. Criteria: ACMG Guidelines, 2015. Collection method: clinical testing. Allele origin: germline.

Department of Pathology and Laboratory Medicine, Sinai Health System
Classification: Likely pathogenic for Platelet-type bleeding disorder 10. Last evaluated: 2022-05-18. Review status: criteria provided, single submitter. Criteria: ACMG Guidelines, 2015. Collection method: research. Allele origin: germline.

Juno Genomics, Hangzhou Juno Genomics, Inc
Classification: Pathogenic for Platelet-type bleeding disorder 10. Review status: criteria provided, single submitter. Criteria: ACMG Guidelines, 2015. Collection method: clinical testing. Allele origin: germline.
Comment: Absent from controls (or at extremely low frequency if recessive) in Genome Aggregation Database.;Null variant in a gene where loss of function (LOF) is a known mechanism of disease.;For recessive disorders, detected in trans with a pathogenic variant.;Patient's phenotype or family history is highly specific for a disease with a single genetic etiology.

Neuberg Centre For Genomic Medicine, NCGM
Classification: Uncertain significance for Platelet-type bleeding disorder 10. Review status: criteria provided, single submitter. Criteria: ACMG Guidelines, 2015. Collection method: clinical testing. Allele origin: germline. Inheritance: Autosomal recessive inheritance. Affected: yes.